The following is an entry in ClinVar:

NM_016203.4(PRKAG2):c.466+45226G>A

Gene: PRKAG2 (protein kinase AMP-activated non-catalytic subunit gamma 2; minus strand). Cytogenetic location: 7q36.1.
Variant type: single nucleotide variant.
Coding change: c.466+45226G>A on transcript NM_016203.4 (MANE Select); 45226 bases into the intron after coding-DNA position 466, G replaced by A.
Molecular consequence: intron variant. On other transcripts: missense variant (5), 5 prime UTR variant (1).
Genome position (GRCh38, 1-based): chr7:151,735,926, C>T on the plus strand (G>A on the coding strand, the complement: PRKAG2 is on the minus strand). VCF-style: chr7-151735926-C-T. GRCh37 (hg19) VCF-style: chr7-151433012-C-T.
Other names: c.68G>A, p.Arg23His (NM_001304527.2, NM_001363698.2, NM_001407028.1 and 2 more transcripts); c.-15G>A (NM_001407038.1); c.466+45226G>A (NM_001407031.1, NM_001407030.1, NM_001407023.1 and 2 more transcripts); c.149-60289G>A (NM_001407032.1); c.334+45226G>A (NM_001407026.1, NM_001040633.2, NM_001407027.1 and 1 more transcripts); c.360+45200G>A (NM_001407033.1); short protein forms R23H.
Identifiers: ClinVar variation 4979110 (VCV004979110.1).

ClinVar aggregate classification (germline): Uncertain significance (1 of 4 stars; one submission).

Conditions:
PRKAG2-related disorder. Also called: PRKAG2-related condition; PRKAG2-related disorders.

gnomAD v4.1: 40 of 1,536,344 alleles (0.0026%); highest among the groups gnomAD compares: South Asian, 0.0048%; no homozygotes.

Submission:

PreventionGenetics, part of Exact Sciences
Classification: Uncertain significance for PRKAG2-related condition. Last evaluated: 2025-03-28. Review status: criteria provided, single submitter. Criteria: ACMG Guidelines, 2015. Collection method: clinical testing. Allele origin: germline.
Comment: The PRKAG2 c.68G>A variant is predicted to result in the amino acid substitution p.Arg23His. This variant corresponds to a deep intronic position in an alternate transcript for this gene (NM_016203:c.466+45226G>A). This variant has been reported as a variant of uncertain significance in one case of sudden unexplained death with autopsy findings suggested of hypertrophic cardiomyopathy (Krebsová et al. 2023. DOI: 10.33678/cor.2022.059). This variant is reported in 0.0089% of alleles in individuals of South Asian descent in gnomAD. At this time, the clinical significance of this variant is uncertain due to the absence of conclusive functional and genetic evidence.